The following is an entry in ClinVar:

NM_001370100.5(ZMYND11):c.753+1G>A

Gene: ZMYND11 (zinc finger MYND-type containing 11; plus strand). Cytogenetic location: 10p15.3.
Variant type: single nucleotide variant.
Coding change: c.753+1G>A on transcript NM_001370100.5 (MANE Select); the canonical splice donor site of the intron after coding-DNA position 753, G replaced by A.
Molecular consequence: splice donor variant. On other transcripts: intron variant (2).
Genome position (GRCh38, 1-based): chr10:240,112, G>A. VCF-style: chr10-240112-G-A. GRCh37 (hg19) VCF-style: chr10-286052-G-A.
Other names: c.687+1G>A (NM_001370116.2); c.525+1G>A (NM_001370120.2); c.282+1G>A (NM_001370124.3); c.750+1G>A (NM_212479.4, NM_001370115.2); c.753+1G>A (NM_001370099.2, NM_001370117.2, NM_001370101.2 and 6 more transcripts); c.660+1G>A (NM_001370114.2, NM_001370113.2); c.591+1G>A (NM_001370108.2, NM_001202464.3, NM_001370109.2 and 6 more transcripts); c.588+1G>A (NM_001370111.2, NM_001202466.3); and 6 more.
Identifiers: ClinVar variation 5021104 (VCV005021104.1).

ClinVar aggregate classification (germline): Pathogenic (1 of 4 stars; one submission).

Conditions:
Paediatric disorders.

Submission:

North West Genomic Laboratory Hub, Manchester University NHS Foundation Trust
Classification: Pathogenic for Paediatric disorders. Last evaluated: 2026-05-11. Review status: criteria provided, single submitter. Criteria: ACGS Best Practice Guidelines for Variant Classification in Rare Disease 2024. Collection method: clinical testing. Allele origin: germline. Affected: yes.
Comment: PVS1_VStr PM2_Mod